The following is an entry in ClinVar:

ClinVar aggregate classification (germline): Uncertain significance (1 of 4 stars; one submission).

Submission:

GeneDx
Classification: Uncertain significance. Last evaluated: 2023-05-10. Review status: criteria provided, single submitter. Criteria: GeneDx Variant Classification Process June 2021. Collection method: clinical testing. Allele origin: germline. Affected: yes.
Comment: Not observed at significant frequency in large population cohorts (gnomAD); In silico analysis supports that this missense variant has a deleterious effect on protein structure/function; Has not been previously published as pathogenic or benign to our knowledge

NM_000292.3(PHKA2):c.2765A>C (p.Gln922Pro)

Gene: PHKA2 (phosphorylase kinase regulatory subunit alpha 2; minus strand). Cytogenetic location: Xp22.13.
Variant type: single nucleotide variant.
Coding change: c.2765A>C on transcript NM_000292.3 (MANE Select); coding-DNA position 2765, A replaced by C.
Protein change: p.Gln922Pro; replaces glutamine 922 with proline.
Molecular consequence: missense variant.
Genome position (GRCh38, 1-based): chrX:18,906,536, T>G on the plus strand (A>C on the coding strand, the complement: PHKA2 is on the minus strand). VCF-style: chrX-18906536-T-G. GRCh37 (hg19) VCF-style: chrX-18924654-T-G.
Other names: short protein forms Q922P.
Identifiers: ClinVar variation 2662534 (VCV002662534.1), dbSNP rs2518601327, ClinGen allele CA412382312.